The following is an entry in ClinVar:

ClinVar aggregate classification (germline): Uncertain significance (1 of 4 stars; one submission).

Conditions:
DMXL2-related disorder. Also called: DMXL2-related condition.

Submission:

PreventionGenetics, part of Exact Sciences
Classification: Uncertain significance for DMXL2-related condition. Last evaluated: 2023-01-11. Review status: criteria provided, single submitter. Criteria: ACMG Guidelines, 2015. Collection method: clinical testing. Allele origin: germline.
Comment: The DMXL2 c.2992+1G>A variant is predicted to disrupt the GT donor site and interfere with normal splicing. To our knowledge, this variant has not been reported in the literature or in a large population database, indicating this variant is rare. Although we suspect that this variant may be pathogenic, at this time, the clinical significance of this variant is uncertain due to the absence of conclusive functional and genetic evidence.

NM_001378457.1(DMXL2):c.2992+1G>A

Gene: DMXL2 (Dmx like 2; minus strand). Cytogenetic location: 15q21.2.
Variant type: single nucleotide variant.
Coding change: c.2992+1G>A on transcript NM_001378457.1 (MANE Select); the canonical splice donor site of the intron after coding-DNA position 2992, G replaced by A.
Molecular consequence: splice donor variant. On other transcripts: intron variant (2).
Genome position (GRCh38, 1-based): chr15:51,502,805, C>T on the plus strand (G>A on the coding strand, the complement: DMXL2 is on the minus strand). VCF-style: chr15-51502805-C-T. GRCh37 (hg19) VCF-style: chr15-51795002-C-T.
Other names: c.2764+4329G>A (NM_001378460.1, NM_001174117.3); c.2992+1G>A (NM_015263.5, NM_001378458.1, NM_001378459.1 and 4 more transcripts); c.2752+1G>A (NM_001378464.1).
Identifiers: ClinVar variation 2635673 (VCV002635673.1), dbSNP rs2548518504, ClinGen allele CA392438005.